The following is an entry in ClinVar:

ClinVar aggregate classification (germline): Uncertain significance (1 of 4 stars; one submission).

Allele frequency attached by ClinVar (database versions not stated): gnomAD exomes below 0.00001.
gnomAD v4.1: 2 of 1,611,070 alleles (0.00012%); highest among the groups gnomAD compares: Non-Finnish European, 0.00017%; no homozygotes.

Submission:

Labcorp Genetics (formerly Invitae), Labcorp
Classification: Uncertain significance. Last evaluated: 2022-07-05. Review status: criteria provided, single submitter. Criteria: Invitae Variant Classification Sherloc (09022015). Collection method: clinical testing. Allele origin: germline.
Comment: This sequence change replaces proline, which is neutral and non-polar, with threonine, which is neutral and polar, at codon 301 of the SPEG protein (p.Pro301Thr). In summary, the available evidence is currently insufficient to determine the role of this variant in disease. Therefore, it has been classified as a Variant of Uncertain Significance. Algorithms developed to predict the effect of missense changes on protein structure and function are either unavailable or do not agree on the potential impact of this missense change (SIFT: "Deleterious"; PolyPhen-2: "Benign"; Align-GVGD: "Class C0"). ClinVar contains an entry for this variant (Variation ID: 1477045). This variant has not been reported in the literature in individuals affected with SPEG-related conditions. This variant is not present in population databases (gnomAD no frequency).

NM_005876.5(SPEG):c.901C>A (p.Pro301Thr)

Gene: SPEG (striated muscle enriched protein kinase; plus strand). Cytogenetic location: 2q35.
Variant type: single nucleotide variant.
Coding change: c.901C>A on transcript NM_005876.5 (MANE Select); coding-DNA position 901, C replaced by A.
Protein change: p.Pro301Thr; replaces proline 301 with threonine.
Molecular consequence: missense variant.
Genome position (GRCh38, 1-based): chr2:219,448,059, C>A. VCF-style: chr2-219448059-C-A. GRCh37 (hg19) VCF-style: chr2-220312781-C-A.
Other names: short protein forms P301T.
Identifiers: ClinVar variation 1477045 (VCV001477045.8), dbSNP rs2125278749, ClinGen allele CA350716138.